The following is an entry in ClinVar:

NM_000059.4(BRCA2):c.4776A>C (p.Lys1592Asn)

Gene: BRCA2 (BRCA2 DNA repair associated; plus strand). Cytogenetic location: 13q13.1.
Variant type: single nucleotide variant.
Coding change: c.4776A>C on transcript NM_000059.4 (MANE Select); coding-DNA position 4776, A replaced by C.
Protein change: p.Lys1592Asn; replaces lysine 1592 with asparagine.
Molecular consequence: missense variant. On other transcripts: non-coding transcript variant (1), intron variant (2).
Genome position (GRCh38, 1-based): chr13:32,339,131, A>C. VCF-style: chr13-32339131-A-C. GRCh37 (hg19) VCF-style: chr13-32913268-A-C.
Other names: c.4776A>C, p.Lys1592Asn (NM_001406719.1, NM_001406720.1); c.1910-5427A>C (NM_001406721.1); c.425-5427A>C (NM_001406722.1); short protein forms K1592N.
Identifiers: ClinVar variation 2740289 (VCV002740289.3), dbSNP rs2137510103, ClinGen allele CA387783184.

ClinVar aggregate classification (germline): Uncertain significance (1 of 4 stars; one submission).

Conditions:
Hereditary breast ovarian cancer syndrome. Also called: BRCA1- and BRCA2-Associated Hereditary Breast and Ovarian Cancer; Hereditary breast and ovarian cancer syndrome; Hereditary breast and ovarian cancer syndrome (HBOC); Hereditary breast and/or ovarian cancer syndrome; Breast and ovarian cancer; Hereditary breast and ovarian cancer. Identifiers: Orphanet 145, MedGen C0677776, MeSH D061325, MONDO:0003582. Disease mechanism: loss of function.

Submission:

Labcorp Genetics (formerly Invitae), Labcorp
Classification: Uncertain significance for Hereditary breast ovarian cancer syndrome. Last evaluated: 2023-07-10. Review status: criteria provided, single submitter. Criteria: Invitae Variant Classification Sherloc (09022015). Collection method: clinical testing. Allele origin: germline.
Comment: This variant has not been reported in the literature in individuals affected with BRCA2-related conditions. This sequence change replaces lysine, which is basic and polar, with asparagine, which is neutral and polar, at codon 1592 of the BRCA2 protein (p.Lys1592Asn). This variant is not present in population databases (gnomAD no frequency). Advanced modeling of protein sequence and biophysical properties (such as structural, functional, and spatial information, amino acid conservation, physicochemical variation, residue mobility, and thermodynamic stability) performed at Invitae indicates that this missense variant is not expected to disrupt BRCA2 protein function. In summary, the available evidence is currently insufficient to determine the role of this variant in disease. Therefore, it has been classified as a Variant of Uncertain Significance.